The following is an entry in ClinVar:

NM_000465.4(BARD1):c.2212A>G (p.Ile738Val)

Gene: BARD1 (BRCA1 associated RING domain 1; minus strand). Cytogenetic location: 2q35.
Variant type: single nucleotide variant.
Coding change: c.2212A>G on transcript NM_000465.4 (MANE Select); coding-DNA position 2212, A replaced by G.
Protein change: p.Ile738Val; replaces isoleucine 738 with valine.
Molecular consequence: missense variant. On other transcripts: non-coding transcript variant (3).
Genome position (GRCh38, 1-based): chr2:214,728,798, T>C on the plus strand (A>G on the coding strand, the complement: BARD1 is on the minus strand). VCF-style: chr2-214728798-T-C. GRCh37 (hg19) VCF-style: chr2-215593522-T-C.
Other names: p.I738V:ATC>GTC; NP_000456.2:p.Ile738Val; c.2155A>G, p.Ile719Val (NM_001282543.2); c.859A>G, p.Ile287Val (NM_001282545.2); c.802A>G, p.Ile268Val (NM_001282548.2); c.673A>G, p.Ile225Val (NM_001282549.2); short protein forms I738V, I268V, I719V, I225V, I287V.
Identifiers: ClinVar variation 136501 (VCV000136501.69), dbSNP rs61754118, ClinGen allele CA333157.

ClinVar aggregate classification (germline): Benign/Likely benign. Review status: criteria provided, multiple submitters, no conflicts (2 of 4 stars). 22 submissions from 22 submitters: Benign (17); Likely benign (3). 2 of the submissions do not count toward it. Last evaluated 2026-09-01.

Conditions:
Hereditary cancer-predisposing syndrome. Also called: Neoplastic Syndromes, Hereditary; Tumor predisposition; Hereditary neoplastic syndrome; Hereditary Cancer Syndrome. Identifiers: Orphanet 140162, MedGen C0027672, MeSH D009386, MONDO:0015356.
Hereditary breast ovarian cancer syndrome. Also called: Breast and ovarian cancer; BRCA1- and BRCA2-Associated Hereditary Breast and Ovarian Cancer; Hereditary breast and/or ovarian cancer syndrome; Hereditary breast and ovarian cancer syndrome; Hereditary breast and ovarian cancer; Hereditary breast and ovarian cancer syndrome (HBOC). Identifiers: Orphanet 145, MedGen C0677776, MeSH D061325, MONDO:0003582. Disease mechanism: loss of function.
Familial cancer of breast. Also called: Hereditary breast cancer; hereditary breast carcinoma; BREAST CANCER, FAMILIAL. Identifiers: Orphanet 227535, MedGen C0346153, MONDO:0016419, OMIM 114480. Disease mechanism: loss of function.
Malignant tumor of breast. Also called: Malignant breast neoplasm; Cancer breast. Identifiers: MedGen C0006142, MONDO:0007254. Disease mechanism: loss of function.

Allele frequency attached by ClinVar (database versions not stated): 1000 Genomes Project 0.00559; 1000 Genomes Project 30x 0.00562; ESP Exome Variant Server 0.00669; ExAC 0.00733; gnomAD 0.00739 and 0.00745; gnomAD exomes 0.00755 and 0.00774; TOPMed 0.00884.
gnomAD v4.1: 12,405 of 1,614,204 alleles (0.77%); highest among the groups gnomAD compares: Middle Eastern, 4.9%; 100 homozygotes.

Submissions (22):

CeGaT Center for Human Genetics Tuebingen
Classification: Benign. Last evaluated: 2026-09-01. Review status: criteria provided, single submitter. Criteria: CeGaT Center For Human Genetics Tuebingen Variant Classification Criteria Version 2. Collection method: clinical testing. Allele origin: germline. Affected: yes. Observed: 70 variant alleles.
Comment: BARD1: BP4, BS1, BS2

Labcorp Genetics (formerly Invitae), Labcorp
Classification: Benign for Familial cancer of breast. Last evaluated: 2026-02-04. Review status: criteria provided, single submitter. Criteria: Invitae Variant Classification Sherloc (09022015). Collection method: clinical testing. Allele origin: germline.

ARUP Laboratories, Molecular Genetics and Genomics, ARUP Laboratories
Classification: Benign for Familial cancer of breast. Last evaluated: 2025-07-15. Review status: criteria provided, single submitter. Criteria: ARUP Molecular Germline Variant Investigation Process 2024. Collection method: clinical testing. Allele origin: germline.

Laboratorio de I+D, Fundación Centro Médico de Asturias
Classification: Benign for Hereditary cancer-predisposing syndrome. Last evaluated: 2025-07-08. Review status: criteria provided, single submitter. Criteria: ACMG Guidelines, 2015. Collection method: clinical testing. Allele origin: germline.
Comment: BS1+BP4_Moderate+BP1

Center for Genomic Medicine, Rigshospitalet, Copenhagen University Hospital
Classification: Likely benign. Last evaluated: 2025-03-04. Review status: criteria provided, single submitter. Criteria: ACMG Guidelines, 2015. Collection method: clinical testing. Allele origin: germline.

KCCC/NGS Laboratory, Kuwait Cancer Control Center
Classification: Benign for Familial cancer of breast. Last evaluated: 2023-07-07. Review status: criteria provided, single submitter. Criteria: ACMG Guidelines, 2015. Collection method: clinical testing. Allele origin: germline. Affected: yes.

Myriad Genetics, Inc.
Classification: Benign for Familial cancer of breast. Last evaluated: 2023-02-24. Review status: criteria provided, single submitter. Criteria: Myriad Autosomal Dominant, Autosomal Recessive and X-Linked Classification Criteria (2023). Collection method: clinical testing. Allele origin: unknown.
Comment: This variant is considered benign. This variant has been observed at a population frequency that is significantly greater than expected given the associated disease prevalence and penetrance. This variant is strongly associated with less severe personal and family histories of cancer, typical for individuals without pathogenic variants in this gene [PMID: 25085752].

Mayo Clinic Laboratories, Mayo Clinic
Classification: Benign. Last evaluated: 2022-11-23. Review status: criteria provided, single submitter. Criteria: ACMG Guidelines, 2015. Collection method: clinical testing. Allele origin: germline. Observed: 23 variant alleles.
Comment: BS1, BS3, BP4

National Health Laboratory Service, Universitas Academic Hospital and University of the Free State
Classification: Benign for Hereditary breast ovarian cancer syndrome. Last evaluated: 2022-04-19. Review status: criteria provided, single submitter. Criteria: ACMG Guidelines, 2015. Collection method: clinical testing. Allele origin: germline. Affected: yes. Observed: 1 variant allele.

Sema4
Classification: Benign for Hereditary cancer-predisposing syndrome. Last evaluated: 2021-05-11. Review status: criteria provided, single submitter. Criteria: Sema4 Curation Guidelines. Collection method: curation. Allele origin: germline.

Genetic Services Laboratory, University of Chicago
Classification: Benign. Last evaluated: 2020-09-18. Review status: criteria provided, single submitter. Criteria: ACMG Guidelines, 2015. Collection method: clinical testing. Allele origin: germline. Affected: no.

Quest Diagnostics Nichols Institute San Juan Capistrano
Classification: Benign. Last evaluated: 2020-07-24. Review status: criteria provided, single submitter. Criteria: Quest Diagnostics criteria. Collection method: clinical testing. Allele origin: unknown.

Institute of Human Genetics, University of Leipzig Medical Center
Classification: Benign for Familial cancer of breast. Last evaluated: 2019-01-01. Review status: criteria provided, single submitter. Criteria: ACMG Guidelines, 2015. Collection method: clinical testing. Allele origin: unknown. Affected: yes.

Illumina Laboratory Services, Illumina
Classification: Likely benign for Familial cancer of breast. Last evaluated: 2018-01-13. Review status: criteria provided, single submitter. Criteria: ICSL Variant Classification Criteria 13 December 2019. Collection method: clinical testing. Allele origin: germline.
Comment: This variant was observed in the ICSL laboratory as part of a predisposition screen in an ostensibly healthy population. It had not been previously curated by ICSL or reported in the Human Gene Mutation Database (HGMD: prior to June 1st, 2018), and was therefore a candidate for classification through an automated scoring system. Utilizing variant allele frequency, disease prevalence and penetrance estimates, and inheritance mode, an automated score was calculated to assess if this variant is too frequent to cause the disease. Based on the score and internal cut-off values, a variant classified as likely benign is not then subjected to further curation. The score for this variant resulted in a classification of likely benign for this disease.

PreventionGenetics, part of Exact Sciences
Classification: Benign. Last evaluated: 2016-11-28. Review status: criteria provided, single submitter. Criteria: ACMG Guidelines, 2015. Collection method: clinical testing. Allele origin: germline.

Vantari Genetics
Classification: Benign for Hereditary cancer-predisposing syndrome. Last evaluated: 2015-12-18. Review status: criteria provided, single submitter. Criteria: ACMG Guidelines, 2015. Collection method: clinical testing. Allele origin: germline.

Color Diagnostics, LLC DBA Color Health
Classification: Benign for Hereditary cancer-predisposing syndrome. Last evaluated: 2014-11-19. Review status: criteria provided, single submitter. Criteria: ACMG Guidelines, 2015. Collection method: clinical testing. Allele origin: germline.

Ambry Genetics
Classification: Benign for Hereditary cancer-predisposing syndrome. Last evaluated: 2014-06-17. Review status: criteria provided, single submitter. Criteria: Ambry Variant Classification Scheme 2023. Collection method: clinical testing. Allele origin: germline.

GeneDx
Classification: Benign. Last evaluated: 2013-10-18. Review status: criteria provided, single submitter. Criteria: GeneDx Variant Classification (06012015). Collection method: clinical testing. Allele origin: germline. Affected: yes.
Comment: This variant is considered likely benign or benign based on one or more of the following criteria: it is a conservative change, it occurs at a poorly conserved position in the protein, it is predicted to be benign by multiple in silico algorithms, and/or has population frequency not consistent with disease.

Breakthrough Genomics
Classification: Likely benign. Review status: criteria provided, single submitter. Criteria: ACMG Guidelines, 2015. Collection method: not provided. Allele origin: germline. Inheritance: Autosomal dominant inheritance. Affected: yes.

Counsyl
Classification: Benign for Familial cancer of breast. Last evaluated: 2016-05-25. Review status: no assertion criteria provided. Collection method: clinical testing. Allele origin: unknown. Not counted in ClinVar's aggregate classification.

Department of Pathology and Laboratory Medicine, Sinai Health System
Classification: Benign for Malignant tumor of breast. Review status: no assertion criteria provided. Collection method: clinical testing. Allele origin: unknown. Affected: yes. Study: The Canadian Open Genetics Repository (COGR). Not counted in ClinVar's aggregate classification.
Comment: BARD1, EXON11, c.2212A>G, p.Ile738Val, Heterozygous, Benign The BARD1 p.Ile738Val variant was identified in 5 of 1030 proband chromosomes (frequency: 0.005) from Polish, Australian and Belgian individuals or families with high risk BRCA1/2 negative breast and/or ovarian cancer and was identified in 5 of 1096 control chromosomes (frequency:0.005) from healthy individuals (Ratajska 2012, Gorringe 2008, De Brakeleer 2010). The variant was identified in a breast tumour, and assessed to be a neutral variant based on a transient apoptosis assay that showed no loss of function (Sauer 2005). In addition, the variant is located with the BRCT functional domain(s) increasing the liklihood that it may have clinical significance; however, protein modelling showed no effect on protein structure or stability (De Brakeleer 2010). The variant was also identified in dbSBP (ID: rs61754118) â€šÃ„ÃºWith Likely benign alleleâ€šÃ„Ã¹, ClinVar (classified benign by GeneDx, Ambry Genetics, Invitae, Vantari Genetics, Color Genomics, and Counsyl; and likely benign by Illumina), Clinivitae (4X) and the Zhejiang Colon Cancer Database (5x), but was not identified in Cosmic and MutDB databases. The variant was identified in control databases in 2066 (21 homozygous) of 277076 chromosomes at a frequency of 0.007 increasing the likelihood this could be a low frequency benign variant (Genome Aggregation Consortium Feb 27, 2017); being identified in the following populations at a frequency greater than 1%: Ashkenazi Jewish* in 285 of 10150 chromosomes (freq: 0.028), Other in 119 of 6464 chromosomes (freq: 0.018), and Latino in 389 of 34408 chromosomes (freq: 0.011). The p.Ile738Val residue is not conserved in mammals and four out of five computational analyses (PolyPhen-2, SIFT, AlignGVGD, BLOSUM, MutationTaster) do not suggest a high likelihood of impact to the protein; however, this information is not predictive enough to rule out pathogenicity. The variant occurs outside of the splicing consensus sequence and in silico or computational prediction software programs (SpliceSiteFinder, MaxEntScan, NNSPLICE, GeneSplicer, HumanSpliceFinder) do not predict a difference in splicing. In summary, based on the above information this variant meets our laboratory's criteria to be classified as benign.

Literature cited by the submitters: PubMed 25085752 (cited by Myriad Genetics, Inc.); PubMed 16061562 (cited by Quest Diagnostics Nichols Institute San Juan Capistrano and Counsyl); PubMed 26307947 (cited by Quest Diagnostics Nichols Institute San Juan Capistrano); PubMed 20077502 (cited by Quest Diagnostics Nichols Institute San Juan Capistrano and Counsyl); PubMed 19197335 (cited by Quest Diagnostics Nichols Institute San Juan Capistrano and Counsyl); PubMed 26787654 (cited by Counsyl).